The following is an entry in ClinVar:

NM_014363.6(SACS):c.11739T>G (p.Asp3913Glu)

Gene: SACS (sacsin molecular chaperone; minus strand). Cytogenetic location: 13q12.12.
Variant type: single nucleotide variant.
Coding change: c.11739T>G on transcript NM_014363.6 (MANE Select); coding-DNA position 11739, T replaced by G.
Protein change: p.Asp3913Glu; replaces aspartic acid 3913 with glutamic acid.
Molecular consequence: missense variant.
Genome position (GRCh38, 1-based): chr13:23,332,137, A>C on the plus strand (T>G on the coding strand, the complement: SACS is on the minus strand). VCF-style: chr13-23332137-A-C. GRCh37 (hg19) VCF-style: chr13-23906276-A-C.
Other names: c.11298T>G, p.Asp3766Glu (NM_001278055.2); c.11766T>G, p.Asp3922Glu (NM_001437336.1); short protein forms D3766E, D3913E, D3922E.
Identifiers: ClinVar variation 4682378 (VCV004682378.1).

ClinVar aggregate classification (germline): Uncertain significance (1 of 4 stars; one submission).

gnomAD v4.1: 2 of 1,614,036 alleles (0.00012%); highest among the groups gnomAD compares: Middle Eastern, 0.016%; no homozygotes.

Submission:

Athena Diagnostics
Classification: Uncertain significance. Last evaluated: 2025-06-12. Review status: criteria provided, single submitter. Criteria: Athena Diagnostics Criteria. Collection method: clinical testing. Allele origin: unknown.
Comment: Available data are insufficient to determine the clinical significance of the variant at this time. This variant has not been reported in large, multi-ethnic general populations. Polyphen and MutationTaster predict this amino acid change may be benign.